The following is an entry in ClinVar:

NM_000368.5(TSC1):c.1309dup (p.His437fs)

Gene: TSC1 (TSC complex subunit 1; minus strand). Cytogenetic location: 9q34.13.
Variant type: Duplication.
Coding change: c.1309dup on transcript NM_000368.5 (MANE Select); coding-DNA position 1309, one base duplicated (C; older notation c.1309dupC).
Protein change: p.His437fs; shifts the reading frame from histidine 437.
Molecular consequence: frameshift variant.
Genome position (GRCh38, 1-based): chr9:132,907,325, G duplicated on the plus strand (C on the coding strand, the reverse complement: TSC1 is on the minus strand); the first of 2 consecutive G bases (chr9:132,907,325-132,907,326); duplicating either gives the same sequence. VCF-style (leftmost placement, unchanged base first): chr9-132907324-T-TG. GRCh37 (hg19) VCF-style: chr9-135782711-T-TG.
Other names: c.1306dup, p.His436fs (NM_001162426.2); c.1156dup, p.His386fs (NM_001162427.2); c.946dup, p.His316fs (NM_001362177.2); c.1308dup, p.His437Profs (NM_001406592.1, NM_001406593.1, NM_001406594.1 and 7 more transcripts); c.1305dup, p.His436Profs (NM_001406597.1, NM_001406598.1, NM_001406599.1 and 5 more transcripts); c.1155dup, p.His386Profs (NM_001406610.1); c.1152dup, p.His385Profs (NM_001406611.1, NM_001406612.1, NM_001406613.1); c.945dup, p.His316Profs (NM_001406614.1, NM_001406615.1, NM_001406616.1 and 4 more transcripts); and 5 more; short protein forms H316fs, H386fs, H436fs, H437fs.
Identifiers: ClinVar variation 1878653 (VCV001878653.1), dbSNP rs2538783712, ClinGen allele CA2580079976.
Genomic context (GRCh38, chr9:132,907,324, plus strand): 5'-GAGGCAAGCAAGGCCTGTAGTAACGCAGAAATTTTACCTGATCCTCTGTCATTCAGAAGA[T>TG]GGTGTTGTCTGTGTAGACATGGTCTTGCAGAATCCATTCTCTCTTCCTGAAAAGATAAGT-3'

ClinVar aggregate classification (germline): Likely pathogenic (1 of 4 stars; one submission).

Conditions:
Tuberous sclerosis 1 (TSC1). Identifiers: Orphanet 805, MedGen C1854465, MONDO:0008612, OMIM 191100.

Submission:

Neuberg Centre For Genomic Medicine, NCGM
Classification: Likely pathogenic for Tuberous sclerosis 1. Review status: criteria provided, single submitter. Criteria: ACMG Guidelines, 2015. Collection method: clinical testing. Allele origin: germline. Affected: yes.
Comment: The frameshift duplication p.H437Pfs*5 in TSC1 (NM_000368.5) has not been reported previously as a pathogenic variant nor as a benign variant, to our knowledge. The p.H437Pfs*5 variant is novel (not in any individuals) in gnomAD Exomes and is novel (not in any individuals) in 1000 Genomes. This variant is predicted to cause loss of normal protein function through protein truncation. For these reasons, this variant has been classified as Likely Pathogenic.